The following is an entry in ClinVar:

NM_001122681.2(SH3BP2):c.614C>T (p.Pro205Leu)

Gene: SH3BP2 (SH3 domain binding protein 2; plus strand). Cytogenetic location: 4p16.3.
Variant type: single nucleotide variant.
Coding change: c.614C>T on transcript NM_001122681.2 (MANE Select); coding-DNA position 614, C replaced by T.
Protein change: p.Pro205Leu; replaces proline 205 with leucine.
Molecular consequence: missense variant.
Genome position (GRCh38, 1-based): chr4:2,829,520, C>T. VCF-style: chr4-2829520-C-T. GRCh37 (hg19) VCF-style: chr4-2831247-C-T.
Other names: c.698C>T, p.Pro233Leu (NM_001145855.2); c.785C>T, p.Pro262Leu (NM_001145856.2); c.614C>T, p.Pro205Leu (NM_003023.4); short protein forms P262L, P233L, P205L.
Identifiers: ClinVar variation 4718754 (VCV004718754.1).

ClinVar aggregate classification (germline): Uncertain significance (1 of 4 stars; one submission).

Conditions:
Fibrous dysplasia of jaw (CRBM). Also called: Cherubism. Identifiers: Orphanet 184, MedGen C0008029, MONDO:0007315, OMIM 118400.

Submission:

Labcorp Genetics (formerly Invitae), Labcorp
Classification: Uncertain significance for Fibrous dysplasia of jaw. Last evaluated: 2025-07-14. Review status: criteria provided, single submitter. Criteria: Invitae Variant Classification Sherloc (09022015). Collection method: clinical testing. Allele origin: germline.
Comment: This sequence change replaces proline, which is neutral and non-polar, with leucine, which is neutral and non-polar, at codon 205 of the SH3BP2 protein (p.Pro205Leu). This variant is not present in population databases (gnomAD no frequency). This variant has not been reported in the literature in individuals affected with SH3BP2-related conditions. Invitae Evidence Modeling of protein sequence and biophysical properties (such as structural, functional, and spatial information, amino acid conservation, physicochemical variation, residue mobility, and thermodynamic stability) indicates that this missense variant is not expected to disrupt SH3BP2 protein function with a negative predictive value of 95%. In summary, the available evidence is currently insufficient to determine the role of this variant in disease. Therefore, it has been classified as a Variant of Uncertain Significance.